The following is an entry in ClinVar:

ClinVar aggregate classification (germline): Benign/Likely benign. Review status: criteria provided, multiple submitters, no conflicts (2 of 4 stars). 2 submissions from 2 submitters: Benign (1); Likely benign (1). Last evaluated 2026-04-29.

Conditions:
Colorectal cancer, hereditary nonpolyposis, type 7. Identifiers: Orphanet 144, MedGen C1858380, MONDO:0013725, OMIM 614385.

Allele frequency attached by ClinVar (database versions not stated): gnomAD exomes 0.00001; TOPMed 0.00001; gnomAD 0.00001.
gnomAD v4.1: 10 of 1,614,008 alleles (0.00062%); highest among the groups gnomAD compares: Non-Finnish European, 0.00085%; no homozygotes.

Submissions (2):

Myriad Genetics, Inc.
Classification: Benign for Colorectal cancer, hereditary nonpolyposis, type 7. Last evaluated: 2026-04-29. Review status: criteria provided, single submitter. Criteria: Myriad Autosomal Dominant, Autosomal Recessive and X-Linked Classification Criteria (2023). Collection method: clinical testing. Allele origin: unknown.
Comment: This variant is considered benign. This variant is a silent/synonymous amino acid change and it is not expected to impact splicing.

Ambry Genetics
Classification: Likely benign. Last evaluated: 2020-03-17. Review status: criteria provided, single submitter. Criteria: Ambry Variant Classification Scheme 2023. Collection method: clinical testing. Allele origin: germline.

NM_001040108.2(MLH3):c.603C>G (p.Leu201=)

Gene: MLH3 (mutL homolog 3; minus strand). Cytogenetic location: 14q24.3.
Variant type: single nucleotide variant.
Coding change: c.603C>G on transcript NM_001040108.2 (MANE Select); coding-DNA position 603, C replaced by G.
Protein change: p.Leu201=; no amino-acid change (leucine 201 retained).
Molecular consequence: synonymous variant.
Genome position (GRCh38, 1-based): chr14:75,049,053, G>C on the plus strand (C>G on the coding strand, the complement: MLH3 is on the minus strand). VCF-style: chr14-75049053-G-C. GRCh37 (hg19) VCF-style: chr14-75515756-G-C.
Other names: c.603C>G, p.Leu201= (NM_014381.3).
Identifiers: ClinVar variation 1751216 (VCV001751216.3), dbSNP rs1050519374, ClinGen allele CA263653657.